The following is an entry in ClinVar:

ClinVar aggregate classification (germline): Pathogenic (1 of 4 stars; one submission).

Conditions:
Phenylketonuria (PKU). Also called: FOLLING DISEASE; OLIGOPHRENIA PHENYLPYRUVICA; Phenylketonurias; Phenylketonuria (PKU). Identifiers: Orphanet 716, MedGen C0031485, MONDO:0009861, OMIM 261600. Disease mechanism: loss of function.

Submission:

Labcorp Genetics (formerly Invitae), Labcorp
Classification: Pathogenic for Phenylketonuria. Last evaluated: 2023-12-16. Review status: criteria provided, single submitter. Criteria: Invitae Variant Classification Sherloc (09022015). Collection method: clinical testing. Allele origin: unknown.
Comment: This variant results in the deletion of part of exon 6 (c.553_706+647del) of the PAH gene. It is expected to disrupt RNA splicing. Variants that disrupt the donor or acceptor splice site typically lead to a loss of protein function (PMID: 16199547), and loss-of-function variants in PAH are known to be pathogenic (PMID: 1301187, 9634518). This variant has been observed in individuals with phenylketonuria (Invitae). For these reasons, this variant has been classified as Pathogenic.

Literature cited by the submitters: PubMed 16199547; PubMed 1301187; PubMed 9634518.

NC_000012.11:g.(?_103248894)_(103249131_?)del

Gene: PAH (phenylalanine hydroxylase; minus strand). Cytogenetic location: 12q23.2.
Variant type: Deletion.
Identifiers: ClinVar variation 3244239 (VCV003244239.1).